The following is an entry in ClinVar:

ClinVar aggregate classification (germline): Uncertain significance (1 of 4 stars; one submission).

Conditions:
Inborn genetic diseases. Identifiers: MedGen C0950123, MeSH D030342.

gnomAD v4.1: 1 of 1,614,072 alleles (0.000062%); highest among the groups gnomAD compares: African/African-American, 0.0013%; no homozygotes.

Submission:

Ambry Genetics
Classification: Uncertain significance for Inborn genetic diseases. Last evaluated: 2026-08-08. Review status: criteria provided, single submitter. Criteria: Ambry Variant Classification Scheme 2023. Collection method: clinical testing. Allele origin: germline.
Comment: The p.G9V variant (also known as c.26G>T), located in coding exon 1 of the HAX1 gene, results from a G to T substitution at nucleotide position 26. The glycine at codon 9 is replaced by valine, an amino acid with dissimilar properties. This amino acid position is conserved. In addition, this alteration is predicted to be deleterious by in silico analysis. Based on the available evidence, the clinical significance of this variant remains unclear.

NM_006118.4(HAX1):c.26G>T (p.Gly9Val)

Gene: HAX1 (HCLS1 associated protein X-1; plus strand). Cytogenetic location: 1q21.3.
Variant type: single nucleotide variant.
Coding change: c.26G>T on transcript NM_006118.4 (MANE Select); coding-DNA position 26, G replaced by T.
Protein change: p.Gly9Val; replaces glycine 9 with valine.
Molecular consequence: missense variant.
Genome position (GRCh38, 1-based): chr1:154,272,749, G>T. VCF-style: chr1-154272749-G-T. GRCh37 (hg19) VCF-style: chr1-154245225-G-T.
Other names: c.26G>T, p.Gly9Val (NM_001018837.2); short protein forms G9V.
Identifiers: ClinVar variation 5022588 (VCV005022588.1).